The following is an entry in ClinVar:

NM_005732.4(RAD50):c.2621A>C (p.Lys874Thr)

Gene: RAD50 (RAD50 double strand break repair protein; plus strand). Cytogenetic location: 5q31.1.
Variant type: single nucleotide variant.
Coding change: c.2621A>C on transcript NM_005732.4 (MANE Select); coding-DNA position 2621, A replaced by C.
Protein change: p.Lys874Thr; replaces lysine 874 with threonine.
Molecular consequence: missense variant.
Genome position (GRCh38, 1-based): chr5:132,604,902, A>C. VCF-style: chr5-132604902-A-C. GRCh37 (hg19) VCF-style: chr5-131940594-A-C.
Other names: c.2621A>C (NM_005732.3); short protein forms K874T.
Identifiers: ClinVar variation 2752846 (VCV002752846.4), dbSNP rs2149847775, ClinGen allele CA360956603.

ClinVar aggregate classification (germline): Uncertain significance. Review status: criteria provided, multiple submitters, no conflicts (2 of 4 stars). 2 submissions from 2 submitters: Uncertain significance (2). Last evaluated 2024-03-24.

Conditions:
Hereditary cancer-predisposing syndrome. Also called: Neoplastic Syndromes, Hereditary; Hereditary Cancer Syndrome; Tumor predisposition; Hereditary neoplastic syndrome. Identifiers: Orphanet 140162, MedGen C0027672, MeSH D009386, MONDO:0015356.

Submissions (2):

Ambry Genetics
Classification: Uncertain significance for Hereditary cancer-predisposing syndrome. Last evaluated: 2024-03-24. Review status: criteria provided, single submitter. Criteria: Ambry Variant Classification Scheme 2023. Collection method: clinical testing. Allele origin: germline.
Comment: The p.K874T variant (also known as c.2621A>C), located in coding exon 16 of the RAD50 gene, results from an A to C substitution at nucleotide position 2621. The lysine at codon 874 is replaced by threonine, an amino acid with similar properties. This amino acid position is conserved. In addition, the in silico prediction for this alteration is inconclusive. Based on the available evidence, the clinical significance of this alteration remains unclear.

Labcorp Genetics (formerly Invitae), Labcorp
Classification: Uncertain significance for Hereditary cancer-predisposing syndrome. Last evaluated: 2023-08-16. Review status: criteria provided, single submitter. Criteria: Invitae Variant Classification Sherloc (09022015). Collection method: clinical testing. Allele origin: germline.
Comment: In summary, the available evidence is currently insufficient to determine the role of this variant in disease. Therefore, it has been classified as a Variant of Uncertain Significance. Advanced modeling of protein sequence and biophysical properties (such as structural, functional, and spatial information, amino acid conservation, physicochemical variation, residue mobility, and thermodynamic stability) has been performed at Invitae for this missense variant, however the output from this modeling did not meet the statistical confidence thresholds required to predict the impact of this variant on RAD50 protein function. This variant has not been reported in the literature in individuals affected with RAD50-related conditions. This variant is not present in population databases (gnomAD no frequency). This sequence change replaces lysine, which is basic and polar, with threonine, which is neutral and polar, at codon 874 of the RAD50 protein (p.Lys874Thr).